The following is an entry in ClinVar:

ClinVar aggregate classification (germline): Uncertain significance (1 of 4 stars; one submission).

gnomAD v4.1: 2 of 1,584,504 alleles (0.00013%); highest among the groups gnomAD compares: Non-Finnish European, 0.00017%; no homozygotes.

Submission:

Labcorp Genetics (formerly Invitae), Labcorp
Classification: Uncertain significance. Last evaluated: 2023-11-19. Review status: criteria provided, single submitter. Criteria: Invitae Variant Classification Sherloc (09022015). Collection method: clinical testing. Allele origin: germline.
Comment: This sequence change replaces leucine, which is neutral and non-polar, with phenylalanine, which is neutral and non-polar, at codon 657 of the CHD8 protein (p.Leu657Phe). The frequency data for this variant in the population databases is considered unreliable, as metrics indicate poor data quality at this position in the gnomAD database. This variant has not been reported in the literature in individuals affected with CHD8-related conditions. An algorithm developed to predict the effect of missense changes on protein structure and function (PolyPhen-2) suggests that this variant is likely to be disruptive. In summary, the available evidence is currently insufficient to determine the role of this variant in disease. Therefore, it has been classified as a Variant of Uncertain Significance.

NM_001170629.2(CHD8):c.1969C>T (p.Leu657Phe)

Gene: CHD8 (chromodomain helicase DNA binding protein 8; minus strand). Cytogenetic location: 14q11.2.
Variant type: single nucleotide variant.
Coding change: c.1969C>T on transcript NM_001170629.2 (MANE Select); coding-DNA position 1969, C replaced by T.
Protein change: p.Leu657Phe; replaces leucine 657 with phenylalanine.
Molecular consequence: missense variant.
Genome position (GRCh38, 1-based): chr14:21,414,993, G>A on the plus strand (C>T on the coding strand, the complement: CHD8 is on the minus strand). VCF-style: chr14-21414993-G-A. GRCh37 (hg19) VCF-style: chr14-21883152-G-A.
Other names: c.1132C>T, p.Leu378Phe (NM_020920.4); short protein forms L378F, L657F.
Identifiers: ClinVar variation 3012247 (VCV003012247.3), dbSNP rs1479070583, ClinGen allele CA388878944.